The following is an entry in ClinVar:

NM_001365480.1(CCDC88A):c.2577T>G (p.Ile859Met)

Gene: CCDC88A (coiled-coil and HOOK domain protein 88A; minus strand). Cytogenetic location: 2p16.1.
Variant type: single nucleotide variant.
Coding change: c.2577T>G on transcript NM_001365480.1 (MANE Select); coding-DNA position 2577, T replaced by G.
Protein change: p.Ile859Met; replaces isoleucine 859 with methionine.
Molecular consequence: missense variant.
Genome position (GRCh38, 1-based): chr2:55,334,244, A>C on the plus strand (T>G on the coding strand, the complement: CCDC88A is on the minus strand). VCF-style: chr2-55334244-A-C. GRCh37 (hg19) VCF-style: chr2-55561380-A-C.
Other names: c.2577T>G, p.Ile859Met (NM_001135597.2, NM_001254943.2, NM_018084.5); short protein forms I859M.
Identifiers: ClinVar variation 1382135 (VCV001382135.6), dbSNP rs1685241125, ClinGen allele CA346897814.

ClinVar aggregate classification (germline): Uncertain significance (1 of 4 stars; one submission).

Allele frequency attached by ClinVar (database versions not stated): TOPMed below 0.00001.
gnomAD v4.1: 1 of 1,438,468 alleles (0.00007%); highest among the groups gnomAD compares: African/African-American, 0.0015%; no homozygotes.

Submission:

Labcorp Genetics (formerly Invitae), Labcorp
Classification: Uncertain significance. Last evaluated: 2023-10-03. Review status: criteria provided, single submitter. Criteria: Invitae Variant Classification Sherloc (09022015). Collection method: clinical testing. Allele origin: germline.
Comment: This sequence change replaces isoleucine, which is neutral and non-polar, with methionine, which is neutral and non-polar, at codon 859 of the CCDC88A protein (p.Ile859Met). This variant is not present in population databases (gnomAD no frequency). This variant has not been reported in the literature in individuals affected with CCDC88A-related conditions. ClinVar contains an entry for this variant (Variation ID: 1382135). An algorithm developed to predict the effect of missense changes on protein structure and function (PolyPhen-2) suggests that this variant is likely to be disruptive. In summary, the available evidence is currently insufficient to determine the role of this variant in disease. Therefore, it has been classified as a Variant of Uncertain Significance.